The following is an entry in ClinVar:

NM_001267550.2(TTN):c.74865G>A (p.Trp24955Ter)

Genes: TTN (titin; minus strand), TTN-AS1 (TTN antisense RNA 1; plus strand). Cytogenetic location: 2q31.2.
Variant type: single nucleotide variant.
Coding change: c.74865G>A on transcript NM_001267550.2 (MANE Select); coding-DNA position 74865, G replaced by A.
Protein change: p.Trp24955Ter; replaces tryptophan 24955 with a stop codon.
Molecular consequence: nonsense.
Genome position (GRCh38, 1-based): chr2:178,571,267, C>T on the plus strand (G>A on the coding strand, the complement: TTN is on the minus strand). VCF-style: chr2-178571267-C-T. GRCh37 (hg19) VCF-style: chr2-179435994-C-T.
Other names: c.69942G>A, p.Trp23314Ter (NM_001256850.1); c.47670G>A, p.Trp15890Ter (NM_003319.4); c.67161G>A, p.Trp22387Ter (NM_133378.4); c.48045G>A, p.Trp16015Ter (NM_133432.3); c.48246G>A, p.Trp16082Ter (NM_133437.4); short protein forms W15890*, W16015*, W22387*, W16082*, W23314*, W24955*.
Identifiers: ClinVar variation 1742923 (VCV001742923.2), dbSNP rs1708081683, ClinGen allele CA349630660.

ClinVar aggregate classification (germline): Likely pathogenic (1 of 4 stars; one submission).

Conditions:
Cardiovascular phenotype. Identifiers: MedGen CN230736.

Submission:

Ambry Genetics
Classification: Likely pathogenic for Cardiovascular phenotype. Last evaluated: 2019-12-26. Review status: criteria provided, single submitter. Criteria: Ambry Variant Classification Scheme 2023. Collection method: clinical testing. Allele origin: germline.
Comment: The p.W15890* variant (also known as c.47670G>A), located in coding exon 153 of the TTN gene, results from a G to A substitution at nucleotide position 47670. This changes the amino acid from a tryptophan to a stop codon within coding exon 153. This exon is located in the A-band region of the N2-B isoform of the titin protein and is constitutively expressed in TTN transcripts (percent spliced in or PSI 100%). This alteration is expected to result in loss of function by premature protein truncation or nonsense-mediated mRNA decay. While truncating variants in TTN are present in 1-3% of the general population, truncating variants in the A-band are the most common cause of dilated cardiomyopathy (DCM) (Herman DS et al. N. Engl. J. Med., 2012 Feb;366:619-28; Roberts AM et al. Sci Transl Med, 2015 Jan;7:270ra6). TTN truncating variants encoded in constitutive exons (PSI >90%) have been found to be significantly associated with DCM regardless of their position in titin (Schafer S et al. Nat. Genet., 2017 01;49:46-53). As such, this alteration is classified as likely pathogenic.